The following is an entry in ClinVar:

NM_007194.4(CHEK2):c.1336A>C (p.Asn446His)

Gene: CHEK2 (checkpoint kinase 2; minus strand). Cytogenetic location: 22q12.1.
Variant type: single nucleotide variant.
Coding change: c.1336A>C on transcript NM_007194.4 (MANE Select); coding-DNA position 1336, A replaced by C.
Protein change: p.Asn446His; replaces asparagine 446 with histidine.
Molecular consequence: missense variant.
Genome position (GRCh38, 1-based): chr22:28,695,166, T>G on the plus strand (A>C on the coding strand, the complement: CHEK2 is on the minus strand). VCF-style: chr22-28695166-T-G. GRCh37 (hg19) VCF-style: chr22-29091154-T-G.
Other names: c.1465A>C, p.Asn489His (NM_001005735.3); c.673A>C, p.Asn225His (NM_001257387.3); c.1135A>C, p.Asn379His (NM_001349956.3); c.1249A>C, p.Asn417His (NM_145862.3); short protein forms N225H, N379H, N417H, N446H, N489H.
Identifiers: ClinVar variation 1692939 (VCV001692939.1), dbSNP rs121908705, ClinGen allele CA411095750.
Genomic context (GRCh38, chr22:28,695,166, plus strand): 5'-TTAACCCTTTCATATTCATACCTTTCTCTGAGACTTCTGCCCAGACTTCAGGAATGAAGT[T>G]GTATTTTCCACTGGTGATCTGATCCTTCAGTGACACTTGAGTCCTATGCTCAGAGAAAGG-3'
Protein context (NP_009125.1, residues 436-456): LKDQITSGKY[Asn446His]FIPEVWAEVS

ClinVar aggregate classification (germline): Uncertain significance (1 of 4 stars; one submission).

Conditions:
Hereditary cancer-predisposing syndrome. Also called: Hereditary neoplastic syndrome; Tumor predisposition; Neoplastic Syndromes, Hereditary; Hereditary Cancer Syndrome. Identifiers: Orphanet 140162, MedGen C0027672, MeSH D009386, MONDO:0015356.

Submission:

Sema4
Classification: Uncertain significance for Hereditary cancer-predisposing syndrome. Last evaluated: 2021-06-17. Review status: criteria provided, single submitter. Criteria: Sema4 Curation Guidelines. Collection method: curation. Allele origin: germline.
Comment: The CHEK2 c.1336A>C (p.N446H) variant has not been reported in literature to our knowledge. This variant was not observed in the large and broad cohorts of the Genome Aggregation Database (PMID: 32461654). This variant has not been reported in ClinVar. In silico tools suggest the impact of the variant on protein function is benign, though these predictions have not been confirmed by functional studies. The overall evidence is insufficient to meet ACMG/AMP criteria for classifying it as benign or pathogenic. In summary, the clinical significance of this variant is currently uncertain.